The following is an entry in ClinVar:

ClinVar aggregate classification (germline): Likely benign (1 of 4 stars; one submission).

Allele frequency attached by ClinVar (database versions not stated): ExAC 0.00001; gnomAD exomes 0.00001; TOPMed 0.00001; ESP Exome Variant Server 0.00008.
gnomAD v4.1: 133 of 1,613,838 alleles (0.0082%); highest among the groups gnomAD compares: Non-Finnish European, 0.011%; no homozygotes.

Submission:

Women's Health and Genetics/Laboratory Corporation of America, LabCorp
Classification: Likely benign. Last evaluated: 2024-05-09. Review status: criteria provided, single submitter. Criteria: LabCorp Variant Classification Summary - May 2015. Collection method: clinical testing. Allele origin: germline.
Comment: Variant summary: COG4 c.1481+11C>T alters a non-conserved nucleotide located at a position not widely known to affect splicing. Consensus agreement among computation tools predict no significant impact on normal splicing. However, these predictions have yet to be confirmed by functional studies. The variant allele was found at a frequency of 8e-06 in 251054 control chromosomes. The available data on variant occurrences in the general population are insufficient to allow any conclusion about variant significance. To our knowledge, no occurrence of c.1481+11C>T in individuals affected with COG4-Related Disorders and no experimental evidence demonstrating its impact on protein function have been reported. No submitters have cited clinical-significance assessments for this variant to ClinVar. Based on the evidence outlined above, the variant was classified as likely benign.

NM_015386.3(COG4):c.1481+11C>T

Gene: COG4 (component of oligomeric golgi complex 4; minus strand). Cytogenetic location: 16q22.1.
Variant type: single nucleotide variant.
Coding change: c.1481+11C>T on transcript NM_015386.3 (MANE Select); 11 bases into the intron after coding-DNA position 1481, C replaced by T.
Molecular consequence: intron variant.
Genome position (GRCh38, 1-based): chr16:70,497,210, G>A on the plus strand (C>T on the coding strand, the complement: COG4 is on the minus strand). VCF-style: chr16-70497210-G-A. GRCh37 (hg19) VCF-style: chr16-70531113-G-A.
Other names: c.1469+11C>T (NM_001195139.2); c.1055+11C>T (NM_001365426.1).
Identifiers: ClinVar variation 3336076 (VCV003336076.1), dbSNP rs375522503.
Genomic context (GRCh38, chr16:70,497,210, plus strand): 5'-AAACAAATGGGCCTCAGGAATCAACAGGAAGGGCCTTTCTGCCTAGAAAGGAGAAAGGGA[G>A]TCAACTGTACCTGAAGTCAGACTCCAGCTCTGTGGTGGCGAGGTTGATCATGGCACAGAG-3'